The following is an entry in ClinVar:

NC_012920.1(MT-CO3):m.9739C>T

Gene: MT-CO3 (mitochondrially encoded cytochrome c oxidase III; plus strand).
Variant type: single nucleotide variant.
Genome position: chrM-9739-C-T.
Identifiers: ClinVar variation 693214 (VCV000693214.1), dbSNP rs879159866, ClinGen allele CA337098542.

ClinVar aggregate classification (germline): Likely benign (1 of 4 stars; one submission).

Conditions:
Leigh syndrome (NULS). Also called: Leigh's necrotizing encephalopathy; Leigh's disease; Leigh Syndrome (mtDNA deletion); Leigh Disease; Subacute necrotizing encephalopathy; Necrotizing encephalopathy infantile subacute of Leigh. Identifiers: Orphanet 506, MedGen C2931891, MONDO:0009723, OMIM 256000.

Submission:

Wong Mito Lab, Molecular and Human Genetics, Baylor College of Medicine
Classification: Likely benign for Leigh syndrome. Last evaluated: 2019-10-17. Review status: criteria provided, single submitter. Criteria: Modified ACMG Guidelines (Unpublished). Collection method: clinical testing. Allele origin: germline.
Comment: The NC_012920.1:m.9739C>T (YP_003024032.1:p.Ala178Val) variant in MTCO3 gene is interpretated to be a Likely Benign variant based on the modified ACMG guidelines (unpublished). This variant meets the following evidence codes: BS1, BP4